The following is an entry in ClinVar:

NM_001376.5(DYNC1H1):c.13474A>C (p.Ile4492Leu)

Gene: DYNC1H1 (dynein cytoplasmic 1 heavy chain 1; plus strand). Cytogenetic location: 14q32.31.
Variant type: single nucleotide variant.
Coding change: c.13474A>C on transcript NM_001376.5 (MANE Select); coding-DNA position 13474, A replaced by C.
Protein change: p.Ile4492Leu; replaces isoleucine 4492 with leucine.
Molecular consequence: missense variant.
Genome position (GRCh38, 1-based): chr14:102,049,541, A>C. VCF-style: chr14-102049541-A-C. GRCh37 (hg19) VCF-style: chr14-102515878-A-C.
Other names: short protein forms I4492L.
Identifiers: ClinVar variation 848779 (VCV000848779.9), dbSNP rs2048775017, ClinGen allele CA391049457.

ClinVar aggregate classification (germline): Uncertain significance (1 of 4 stars; one submission).

Conditions:
Charcot-Marie-Tooth disease axonal type 2O. Also called: CHARCOT-MARIE-TOOTH NEUROPATHY, AXONAL, TYPE 2O; CHARCOT-MARIE-TOOTH DISEASE, AXONAL, AUTOSOMAL DOMINANT, TYPE 2O; Charcot-Marie-Tooth Neuropathy Type 2O; Charcot-Marie-Tooth disease, axonal, type 20. Identifiers: Orphanet 284232, MedGen C3280220, MONDO:0013644, OMIM 614228.

Submission:

Labcorp Genetics (formerly Invitae), Labcorp
Classification: Uncertain significance for Charcot-Marie-Tooth disease axonal type 2O. Last evaluated: 2019-03-22. Review status: criteria provided, single submitter. Criteria: Invitae Variant Classification Sherloc (09022015). Collection method: clinical testing. Allele origin: germline.
Comment: This sequence change replaces isoleucine with leucine at codon 4492 of the DYNC1H1 protein (p.Ile4492Leu). The isoleucine residue is highly conserved and there is a small physicochemical difference between isoleucine and leucine. This variant is not present in population databases (ExAC no frequency). This variant has not been reported in the literature in individuals with DYNC1H1-related conditions. Algorithms developed to predict the effect of missense changes on protein structure and function are either unavailable or do not agree on the potential impact of this missense change (SIFT: "Deleterious"; PolyPhen-2: "Benign"; Align-GVGD: "Class C0"). In summary, the available evidence is currently insufficient to determine the role of this variant in disease. Therefore, it has been classified as a Variant of Uncertain Significance.